The following is an entry in ClinVar:

NM_000038.6(APC):c.6705A>C (p.Gly2235=)

Gene: APC (APC regulator of Wnt signaling pathway; plus strand). Cytogenetic location: 5q22.2.
Variant type: single nucleotide variant.
Coding change: c.6705A>C on transcript NM_000038.6 (MANE Select); coding-DNA position 6705, A replaced by C.
Protein change: p.Gly2235=; no amino-acid change (glycine 2235 retained).
Molecular consequence: synonymous variant. On other transcripts: non-coding transcript variant (2).
Genome position (GRCh38, 1-based): chr5:112,842,299, A>C. VCF-style: chr5-112842299-A-C. GRCh37 (hg19) VCF-style: chr5-112177996-A-C.
Other names: c.6705A>C, p.Gly2235= (NM_001127510.3, NM_001354895.2, NM_001407450.1); c.6651A>C, p.Gly2217= (NM_001127511.3); c.6759A>C, p.Gly2253= (NM_001354896.2, NM_001407447.1, NM_001407448.1 and 1 more transcripts); c.6735A>C, p.Gly2245= (NM_001354897.2); c.6630A>C, p.Gly2210= (NM_001354898.2); c.6621A>C, p.Gly2207= (NM_001354899.2); c.6582A>C, p.Gly2194= (NM_001354900.2); c.6528A>C, p.Gly2176= (NM_001354901.2, NM_001407453.1); and 11 more.
Identifiers: ClinVar variation 3254471 (VCV003254471.1), dbSNP rs2149971111.
Genomic context (GRCh38, chr5:112,842,299, plus strand): 5'-GCCCCTTCAAGCAAACATGCCTTCAATCTCTCGAGGCAGGACAATGATTCATATTCCAGG[A>C]GTTCGAAATAGCTCCTCAAGTACAAGTCCTGTTTCTAAAAAAGGCCCACCCCTTAAGACT-3'
Protein context (NP_000029.2, residues 2225-2245): SRGRTMIHIP[Gly2235=]VRNSSSSTSP

ClinVar aggregate classification (germline): Benign (1 of 4 stars; one submission).

Conditions:
Familial adenomatous polyposis 1 (FAP1). Also called: FAMILIAL ADENOMATOUS POLYPOSIS 1, ATTENUATED; POLYPOSIS, ADENOMATOUS INTESTINAL. Identifiers: MedGen C2713442, MONDO:0021056, OMIM 175100. Disease mechanism: loss of function.

Submission:

Myriad Genetics, Inc.
Classification: Benign for Familial adenomatous polyposis 1. Last evaluated: 2024-04-05. Review status: criteria provided, single submitter. Criteria: Myriad Autosomal Dominant, Autosomal Recessive and X-Linked Classification Criteria (2023). Collection method: clinical testing. Allele origin: unknown.
Comment: This variant is considered benign. This variant is a silent/synonymous amino acid change and it is not expected to impact splicing.